The following is an entry in ClinVar:

ClinVar aggregate classification (germline): Uncertain significance. Review status: criteria provided, multiple submitters, no conflicts (2 of 4 stars). 2 submissions from 2 submitters: Uncertain significance (2). Last evaluated 2024-05-09.

Conditions:
Pheochromocytoma. Also called: MAX-Related Hereditary Paraganglioma-Pheochromocytoma Syndrome. Identifiers: Orphanet 29072, MedGen C0031511, MONDO:0008233, OMIM 171300, HP:0002666.
Pheochromocytoma/paraganglioma syndrome 4. Also called: CAROTID BODY TUMORS AND MULTIPLE EXTRAADRENAL PHEOCHROMOCYTOMAS; PARAGANGLIOMA, FAMILIAL MALIGNANT; PARAGANGLIOMAS, HEREDITARY EXTRAADRENAL; PHEOCHROMOCYTOMA, FAMILIAL EXTRAADRENAL; Paragangliomas 4; SDHB-Related Hereditary Paraganglioma-Pheochromocytoma Syndrome (Paragangliomas 4). Identifiers: Orphanet 29072, MedGen C1861848, MONDO:0007273, OMIM 115310.
Gastrointestinal stromal tumor. Also called: Gastrointestinal stromal tumor, somatic; Gastrointestinal stroma tumor. Identifiers: Orphanet 44890, MedGen C0238198, MeSH D046152, MONDO:0011719, OMIM 606764, HP:0100723.
Hereditary cancer-predisposing syndrome. Also called: Neoplastic Syndromes, Hereditary; Tumor predisposition; Hereditary Cancer Syndrome; Hereditary neoplastic syndrome. Identifiers: Orphanet 140162, MedGen C0027672, MeSH D009386, MONDO:0015356.

Submissions (2):

Labcorp Genetics (formerly Invitae), Labcorp
Classification: Uncertain significance for Gastrointestinal stromal tumor; Pheochromocytoma/paraganglioma syndrome 4; Pheochromocytoma. Last evaluated: 2024-05-09. Review status: criteria provided, single submitter. Criteria: Invitae Variant Classification Sherloc (09022015). Collection method: clinical testing. Allele origin: germline.
Comment: This sequence change replaces isoleucine, which is neutral and non-polar, with valine, which is neutral and non-polar, at codon 263 of the SDHB protein (p.Ile263Val). This variant is not present in population databases (gnomAD no frequency). This variant has not been reported in the literature in individuals affected with SDHB-related conditions. ClinVar contains an entry for this variant (Variation ID: 1760984). Advanced modeling of protein sequence and biophysical properties (such as structural, functional, and spatial information, amino acid conservation, physicochemical variation, residue mobility, and thermodynamic stability) performed at Invitae indicates that this missense variant is not expected to disrupt SDHB protein function with a negative predictive value of 80%. In summary, the available evidence is currently insufficient to determine the role of this variant in disease. Therefore, it has been classified as a Variant of Uncertain Significance.

Ambry Genetics
Classification: Uncertain significance for Hereditary cancer-predisposing syndrome. Last evaluated: 2022-03-24. Review status: criteria provided, single submitter. Criteria: Ambry Variant Classification Scheme 2023. Collection method: clinical testing. Allele origin: germline.
Comment: The p.I263V variant (also known as c.787A>G), located in coding exon 8 of the SDHB gene, results from an A to G substitution at nucleotide position 787. The isoleucine at codon 263 is replaced by valine, an amino acid with highly similar properties. This amino acid position is conserved. In addition, this alteration is predicted to be deleterious by in silico analysis. Since supporting evidence is limited at this time, the clinical significance of this alteration remains unclear.

NM_003000.3(SDHB):c.787A>G (p.Ile263Val)

Gene: SDHB (succinate dehydrogenase complex iron sulfur subunit B; minus strand). Cytogenetic location: 1p36.13.
Variant type: single nucleotide variant.
Coding change: c.787A>G on transcript NM_003000.3 (MANE Select); coding-DNA position 787, A replaced by G.
Protein change: p.Ile263Val; replaces isoleucine 263 with valine.
Molecular consequence: missense variant.
Genome position (GRCh38, 1-based): chr1:17,018,937, T>C on the plus strand (A>G on the coding strand, the complement: SDHB is on the minus strand). VCF-style: chr1-17018937-T-C. GRCh37 (hg19) VCF-style: chr1-17345432-T-C.
Other names: c.733A>G, p.Ile245Val (NM_001407361.1); short protein forms I245V, I263V.
Identifiers: ClinVar variation 1760984 (VCV001760984.7), dbSNP rs2524995067, ClinGen allele CA338268965.
Genomic context (GRCh38, chr1:17,018,937, plus strand): 5'-ACAGTTAAACTGAAGCTTTCTTCTCCTTATAGGTTGCCATCATTTTCTTGATCTCTGCAA[T>C]AGCTTTCCCTGGATTCAGACCCTTGAAAAAAGAGAAAAGAATCAATAACAAATGATAACT-3'
Protein context (NP_002991.2, residues 253-273): CPKGLNPGKA[Ile263Val]AEIKKMMATY